The following is an entry in ClinVar:

NC_000012.12:g.(?_51920691)_(51920903_?)del

Gene: ACVRL1 (activin A receptor like type 1; plus strand). Cytogenetic location: 12q13.13.
Variant type: Deletion.
Identifiers: ClinVar variation 640986 (VCV000640986.2).

ClinVar aggregate classification (germline): Pathogenic (1 of 4 stars; one submission).

Conditions:
Telangiectasia, hereditary hemorrhagic, type 2 (HHT2). Also called: ACVRL1-Related Hereditary Hemorrhagic Telangiectasia; Telangiectasia, hereditary hemorrhagic, type II. Identifiers: Orphanet 774, MedGen C1838163, MONDO:0010880, OMIM 600376. Disease mechanism: loss of function.

Submission:

Labcorp Genetics (formerly Invitae), Labcorp
Classification: Pathogenic for Hereditary hemorrhagic telangiectasia type 2. Last evaluated: 2019-10-07. Review status: criteria provided, single submitter. Criteria: Invitae Variant Classification Sherloc (09022015). Collection method: clinical testing. Allele origin: germline.
Comment: This variant is a gross deletion of the genomic region encompassing exon 10 of the ACVRL1 gene. The 5' boundary is likely confined to intron 9. The 3' end of this event is unknown as it extends through the termination codon beyond the assayed region for this gene and may encompass additional genes. While this deletion is not anticipated to result in nonsense mediated decay, it is expected to create a truncated protein product or disrupt mRNA translation. Loss-of-function variants in ACVRL1 are known to be pathogenic. This particular variant has been reported in the literature in several unrelated individuals with hereditary hemorrhagic telangiectasia (PMID: 20414677). For these reasons, this variant has been classified as Pathogenic.

Literature cited by the submitters: PubMed 20414677.